The following is an entry in ClinVar:

NM_025114.4(CEP290):c.3962T>C (p.Met1321Thr)

Gene: CEP290 (centrosomal protein 290; minus strand). Cytogenetic location: 12q21.32.
Variant type: single nucleotide variant.
Coding change: c.3962T>C on transcript NM_025114.4 (MANE Select); coding-DNA position 3962, T replaced by C.
Protein change: p.Met1321Thr; replaces methionine 1321 with threonine.
Molecular consequence: missense variant.
Genome position (GRCh38, 1-based): chr12:88,089,099, A>G on the plus strand (T>C on the coding strand, the complement: CEP290 is on the minus strand). VCF-style: chr12-88089099-A-G. GRCh37 (hg19) VCF-style: chr12-88482876-A-G.
Other names: short protein forms M1321T.
Identifiers: ClinVar variation 450208 (VCV000450208.3), dbSNP rs1346175871, ClinGen allele CA386000310.

ClinVar aggregate classification (germline): Uncertain significance (1 of 4 stars; one submission).

Allele frequency attached by ClinVar (database versions not stated): TOPMed below 0.00001.

Submission:

GeneDx
Classification: Uncertain significance. Last evaluated: 2019-08-19. Review status: criteria provided, single submitter. Criteria: GeneDx Variant Classification Process June 2021. Collection method: clinical testing. Allele origin: germline. Affected: yes.
Comment: Not observed in large population cohorts (Lek et al., 2016); In silico analysis, which includes protein predictors and evolutionary conservation, supports that this variant does not alter protein structure/function; Has not been previously published as pathogenic or benign to our knowledge